The following is an entry in ClinVar:

NM_016239.4(MYO15A):c.2577del (p.Ser860fs)

Gene: MYO15A (myosin XVA; plus strand). Cytogenetic location: 17p11.2.
Variant type: Deletion.
Coding change: c.2577del on transcript NM_016239.4 (MANE Select); coding-DNA position 2577, one base deleted (C; older notation c.2577delC).
Protein change: p.Ser860fs; shifts the reading frame from serine 860.
Molecular consequence: frameshift variant.
Genome position (GRCh38, 1-based): chr17:18,121,377, C deleted. VCF-style (leftmost placement, unchanged base first): chr17-18121376-GC-G. GRCh37 (hg19) VCF-style: chr17-18024690-GC-G.
Other names: short protein forms S860fs.
Identifiers: ClinVar variation 5005709 (VCV005005709.2).
Genomic context (GRCh38, chr17:18,121,376, plus strand): 5'-CGCTGCCGGGCTCACCCAGGCCGCCCTCGCCGCCCCTGGGGCTCTGCCACAGCCCGCGGC[GC>G]AGCTCCCTGAATCTGCCCTCGCGCCTCCCGCACACGTGGCGGCGCCTCAGCGAGCCACCC-3'

ClinVar aggregate classification (germline): Likely pathogenic (1 of 4 stars; one submission).

Conditions:
Autosomal recessive nonsyndromic hearing loss 3. Also called: NEUROSENSORY NONSYNDROMIC RECESSIVE DEAFNESS 3. Identifiers: Orphanet 90636, MedGen C1838263, MONDO:0010860, OMIM 600316.

Submission:

Juno Genomics, Hangzhou Juno Genomics, Inc
Classification: Likely pathogenic for Autosomal recessive nonsyndromic hearing loss 3. Review status: criteria provided, single submitter. Criteria: ACMG Guidelines, 2015. Collection method: clinical testing. Allele origin: germline.
Comment: Null variant in a gene where loss of function (LOF) is a known mechanism of disease.;Absent from controls (or at extremely low frequency if recessive) in Genome Aggregation Database.